The following is an entry in ClinVar:

ClinVar aggregate classification (germline): Uncertain significance. Review status: criteria provided, multiple submitters, no conflicts (2 of 4 stars). 4 submissions from 4 submitters: Uncertain significance (4). Last evaluated 2025-01-17.

Conditions:
Hereditary cancer-predisposing syndrome. Also called: Tumor predisposition; Hereditary neoplastic syndrome; Neoplastic Syndromes, Hereditary; Hereditary Cancer Syndrome. Identifiers: Orphanet 140162, MedGen C0027672, MeSH D009386, MONDO:0015356.
Familial cancer of breast. Also called: hereditary breast carcinoma; Hereditary breast cancer; BREAST CANCER, FAMILIAL. Identifiers: Orphanet 227535, MedGen C0346153, MONDO:0016419, OMIM 114480. Disease mechanism: loss of function.

Allele frequency attached by ClinVar (database versions not stated): gnomAD exomes below 0.00001; ExAC 0.00001.

Submissions (4):

Ambry Genetics
Classification: Uncertain significance for Hereditary cancer-predisposing syndrome. Last evaluated: 2025-01-17. Review status: criteria provided, single submitter. Criteria: Ambry Variant Classification Scheme 2023. Collection method: clinical testing. Allele origin: germline.
Comment: The p.H163R variant (also known as c.488A>G), located in coding exon 3 of the CHEK2 gene, results from an A to G substitution at nucleotide position 488. The histidine at codon 163 is replaced by arginine, an amino acid with highly similar properties. This amino acid position is well conserved in available vertebrate species. In addition, the in silico prediction for this alteration is inconclusive. Based on the available evidence, the clinical significance of this variant remains unclear.

Labcorp Genetics (formerly Invitae), Labcorp
Classification: Uncertain significance for Familial cancer of breast. Last evaluated: 2024-09-09. Review status: criteria provided, single submitter. Criteria: Invitae Variant Classification Sherloc (09022015). Collection method: clinical testing. Allele origin: germline.
Comment: This sequence change replaces histidine, which is basic and polar, with arginine, which is basic and polar, at codon 163 of the CHEK2 protein (p.His163Arg). This variant is present in population databases (rs752304641, gnomAD 0.003%). This variant has not been reported in the literature in individuals affected with CHEK2-related conditions. ClinVar contains an entry for this variant (Variation ID: 845055). An algorithm developed to predict the effect of missense changes on protein structure and function (PolyPhen-2) suggests that this variant is likely to be disruptive. In summary, the available evidence is currently insufficient to determine the role of this variant in disease. Therefore, it has been classified as a Variant of Uncertain Significance.

Women's Health and Genetics/Laboratory Corporation of America, LabCorp
Classification: Uncertain significance. Last evaluated: 2022-10-22. Review status: criteria provided, single submitter. Criteria: LabCorp Variant Classification Summary - May 2015. Collection method: clinical testing. Allele origin: germline.

Color Diagnostics, LLC DBA Color Health
Classification: Uncertain significance for Hereditary cancer-predisposing syndrome. Last evaluated: 2020-02-09. Review status: criteria provided, single submitter. Criteria: ACMG Guidelines, 2015. Collection method: clinical testing. Allele origin: germline.
Comment: This missense variant replaces histidine with arginine at codon 163 of the CHEK2 protein. Computational prediction suggests that this variant may have deleterious impact on protein structure and function (internally defined REVEL score threshold >= 0.7, PMID: 27666373). Splice site prediction tools suggest that this variant may not impact RNA splicing. To our knowledge, functional studies have not been performed for this variant. This variant has not been reported in individuals affected with hereditary cancer in the literature. This variant has been identified in 1/251412 chromosomes in the general population by the Genome Aggregation Database (gnomAD). The available evidence is insufficient to determine the role of this variant in disease conclusively. Therefore, this variant is classified as a Variant of Uncertain Significance.

NM_007194.4(CHEK2):c.488A>G (p.His163Arg)

Gene: CHEK2 (checkpoint kinase 2; minus strand). Cytogenetic location: 22q12.1.
Variant type: single nucleotide variant.
Coding change: c.488A>G on transcript NM_007194.4 (MANE Select); coding-DNA position 488, A replaced by G.
Protein change: p.His163Arg; replaces histidine 163 with arginine.
Molecular consequence: missense variant. On other transcripts: 5 prime UTR variant (2), intron variant (1).
Genome position (GRCh38, 1-based): chr22:28,725,081, T>C on the plus strand (A>G on the coding strand, the complement: CHEK2 is on the minus strand). VCF-style: chr22-28725081-T-C. GRCh37 (hg19) VCF-style: chr22-29121069-T-C.
Other names: c.617A>G, p.His206Arg (NM_001005735.3, NM_001438294.1); c.-290A>G (NM_001257387.3); c.-176A>G (NM_001437942.1); c.581A>G, p.His194Arg (NM_001438293.1, NM_001438295.1); c.488A>G, p.His163Arg (NM_145862.3); c.445-158A>G (NM_001349956.3); short protein forms H163R, H206R, H194R.
Identifiers: ClinVar variation 845055 (VCV000845055.18), dbSNP rs752304641, ClinGen allele CA10167988.